The following is an entry in ClinVar:

ClinVar aggregate classification (germline): Likely pathogenic (1 of 4 stars; one submission).

Conditions:
Achondrogenesis type II (ACG2). Also called: ACHONDROGENESIS, LANGER-SALDINO TYPE; CHONDROGENESIS IMPERFECTA. Identifiers: Orphanet 932, Orphanet 93296, MedGen C0220685, MONDO:0008702, OMIM 200610.
Legg-Calve-Perthes disease. Also called: PERTHES DISEASE; Avascular necrosis of the capital femoral epiphysis; Osteochondritis deformans; Coxa plana. Identifiers: Orphanet 2380, MedGen C1442965, MONDO:0007885, OMIM 150600, HP:0005743.
Kniest dysplasia. Identifiers: Orphanet 485, MedGen C0265279, MONDO:0007987, OMIM 156550.
Stickler syndrome type 1 (STL1). Also called: COL2A1-Related Stickler Syndrome; STICKLER SYNDROME, MEMBRANOUS VITREOUS TYPE; STICKLER SYNDROME, VITREOUS TYPE 1; ARTHROOPHTHALMOPATHY, HEREDITARY PROGRESSIVE. Identifiers: Orphanet 828, Orphanet 90653, MedGen C2020284, MONDO:0007160, OMIM 108300.
Platyspondylic dysplasia, Torrance type (PLSDT). Identifiers: Orphanet 85166, MedGen C1835437, MONDO:0007895, OMIM 151210.
Spondyloepiphyseal dysplasia congenita (SEDC). Also called: SED CONGENITA; SPONDYLOEPIPHYSEAL DYSPLASIA, CONGENITAL TYPE. Identifiers: Orphanet 94068, MedGen C2745959, MONDO:0008471, OMIM 183900.
Spondyloepiphyseal dysplasia with metatarsal shortening. Also called: Pseudorheumatoid dysplasia progressive, with hypoplastic toes; CZECH DYSPLASIA, METATARSAL TYPE; SPONDYLOEPIPHYSEAL DYSPLASIA WITH PRECOCIOUS OSTEOARTHRITIS. Identifiers: Orphanet 137678, MedGen C1836683, MONDO:0012206, OMIM 609162.
Spondyloepiphyseal dysplasia, Stanescu type. Also called: SED, STANESCU TYPE; SPONDYLOEPIMETAPHYSEAL DYSPLASIA, STANESCU TYPE. Identifiers: Orphanet 459051, MedGen C4225273, MONDO:0014701, OMIM 616583.
Spondyloperipheral dysplasia. Also called: Spondyloperipheral dysplasia-short ulna syndrome; SPONDYLOPERIPHERAL DYSPLASIA WITH SHORT ULNA. Identifiers: Orphanet 1856, MedGen C0796173, MONDO:0010078, OMIM 271700.
Spondyloepimetaphyseal dysplasia, Strudwick type (SEMDSTWK). Also called: STRUDWICK SYNDROME; DAPPLED METAPHYSIS SYNDROME. Identifiers: Orphanet 93346, MedGen C0700635, MONDO:0008476, OMIM 184250.

Submission:

New York Genome Center
Classification: Likely pathogenic for Achondrogenesis type II; Kniest dysplasia; Legg-Calve-Perthes disease; Platyspondylic dysplasia, Torrance type; Spondyloepiphyseal dysplasia congenita; Spondyloepimetaphyseal dysplasia, Strudwick type; Spondyloperipheral dysplasia; Spondyloepiphyseal dysplasia, Stanescu type; Stickler syndrome type 1; Spondyloepiphyseal dysplasia with metatarsal shortening. Last evaluated: 2024-01-12. Review status: criteria provided, single submitter. Criteria: NYGC Assertion Criteria 2020. Collection method: clinical testing. Allele origin: de novo. Affected: yes. Observed: 1 variant allele, 1 heterozygote.
Comment: The de novo c.3599G>T (NM_001844) variant identified in the COL2A1 gene substitutes a very well conserved Glycine for Valine at amino acid 1200/1488(exon 51/54; p.(Gly1200Val)) within a collagen triple helix repeat domain of COL2A1. Variants affecting Glycine residues within Gly-X-Y repeats of the triple helical region of COL2A1 are commonly identified in individuals with COL2A1 associated disorders [PMID:35581182, 35052477, 26626311]. In silico algorithms predict this variant to be deleterious to the function of the canonical protein [REVEL=0.996], though functional studies are not available to confirm or refute these predictions. The c.3599G>T, p.(Gly1200Val) variant is absent from population databases (gnomADv4.0.0, BRAVO-TOPMed, All of Us) suggesting it is not a common benign variant in the populations represented in those databases. This variant is absent from ClinVar and to our current knowledge has not been previously reported in affected individuals in the literature, however a different amino acid change at the same amino acid has been reported as pathogenic in ClinVar (VarID:872633), and several different amino acid changes at the p.Gly1200 position have also been reported in affected individuals in the literature including p.Gly1200Ser [PMID:26435866,15895462], p.Gly1200Cys [PMID:15895462], p.Gly1200Asp [PMID:34958143], and p.Gly1200Arg [PMID:34680973]. Given its presence de novo, it’s absence in population databases, its presence in a Gly-X-Y repeat within the collagen triple helix repeat domain, and the presence of other amino acid changes at this same amnio acid reported in affected individuals in the literature, the de novo c.3599G>T, p.(Gly1200Val) variant identified in the COL2A1 gene is reported as Likely Pathogenic.

NM_001844.5(COL2A1):c.3599G>T (p.Gly1200Val)

Gene: COL2A1 (collagen type II alpha 1 chain; minus strand). Cytogenetic location: 12q13.11.
Variant type: single nucleotide variant.
Coding change: c.3599G>T on transcript NM_001844.5 (MANE Select); coding-DNA position 3599, G replaced by T.
Protein change: p.Gly1200Val; replaces glycine 1200 with valine.
Molecular consequence: missense variant.
Genome position (GRCh38, 1-based): chr12:47,975,604, C>A on the plus strand (G>T on the coding strand, the complement: COL2A1 is on the minus strand). VCF-style: chr12-47975604-C-A. GRCh37 (hg19) VCF-style: chr12-48369387-C-A.
Other names: c.3392G>T, p.Gly1131Val (NM_033150.3); short protein forms G1131V, G1200V.
Identifiers: ClinVar variation 4888365 (VCV004888365.1).